The following is an entry in ClinVar:

ClinVar aggregate classification (germline): Pathogenic/Likely pathogenic. Review status: criteria provided, multiple submitters, no conflicts (2 of 4 stars). 2 submissions from 2 submitters: Pathogenic (1); Likely pathogenic (1). Last evaluated 2025-02-13.

Conditions:
Hypophosphatemic rickets, X-linked recessive (XLHRR). Identifiers: Orphanet 1652, Orphanet 93622, MedGen C1845168, MONDO:0010358, OMIM 300554.
Proteinuria, low molecular weight, with hypercalciuria and nephrocalcinosis. Identifiers: Orphanet 1652, Orphanet 93622, MedGen C1839874, MONDO:0010644, OMIM 308990.
Dent disease type 1 (DENT1). Also called: NEPHROLITHIASIS 2; NEPHROLITHIASIS, HYPERCALCIURIC, X-LINKED. Identifiers: Orphanet 1652, Orphanet 93622, MedGen C1848336, MONDO:0010225, OMIM 300009.
X-linked recessive nephrolithiasis with renal failure (XRN). Also called: UROLITHIASIS, X-LINKED RECESSIVE, TYPE 1; NEPHROLITHIASIS 1; NEPHROLITHIASIS, X-LINKED RECESSIVE, TYPE 1. Identifiers: Orphanet 1652, Orphanet 93622, MedGen C0403720, MONDO:0010687, OMIM 310468.

Submissions (2):

Labcorp Genetics (formerly Invitae), Labcorp
Classification: Pathogenic. Last evaluated: 2025-02-13. Review status: criteria provided, single submitter. Criteria: Invitae Variant Classification Sherloc (09022015). Collection method: clinical testing. Allele origin: germline.
Comment: This sequence change creates a premature translational stop signal (p.Tyr355*) in the CLCN5 gene. It is expected to result in an absent or disrupted protein product. Loss-of-function variants in CLCN5 are known to be pathogenic (PMID: 22876375, 25907713). This variant is not present in population databases (gnomAD no frequency). This variant has not been reported in the literature in individuals affected with CLCN5-related conditions. ClinVar contains an entry for this variant (Variation ID: 3598380). For these reasons, this variant has been classified as Pathogenic.

Fulgent Genetics
Classification: Likely pathogenic for Dent disease type 1; Hypophosphatemic rickets, X-linked recessive; Proteinuria, low molecular weight, with hypercalciuria and nephrocalcinosis; X-linked recessive nephrolithiasis with renal failure. Last evaluated: 2024-04-25. Review status: criteria provided, single submitter. Criteria: ACMG Guidelines, 2015. Collection method: clinical testing. Allele origin: germline.

Literature cited by the submitters: PubMed 22876375 (cited by Labcorp Genetics (formerly Invitae), Labcorp); PubMed 25907713 (cited by Labcorp Genetics (formerly Invitae), Labcorp).

NM_001127898.4(CLCN5):c.1275T>G (p.Tyr425Ter)

Gene: CLCN5 (Cl-/H+ antiporter 5; plus strand). Cytogenetic location: Xp11.23.
Variant type: single nucleotide variant.
Coding change: c.1275T>G on transcript NM_001127898.4 (MANE Select); coding-DNA position 1275, T replaced by G.
Protein change: p.Tyr425Ter; replaces tyrosine 425 with a stop codon.
Molecular consequence: nonsense.
Genome position (GRCh38, 1-based): chrX:50,086,588, T>G. VCF-style: chrX-50086588-T-G. GRCh37 (hg19) VCF-style: chrX-49851245-T-G.
Other names: c.1065T>G, p.Tyr355Ter (NM_000084.5); c.1275T>G, p.Tyr425Ter (NM_001127899.4); c.1125T>G, p.Tyr375Ter (NM_001282163.2); short protein forms Y355*, Y375*, Y425*.
Identifiers: ClinVar variation 3598380 (VCV003598380.2).